The following is an entry in ClinVar:

ClinVar aggregate classification (germline): Conflicting classifications of pathogenicity. Review status: criteria provided, conflicting classifications (1 of 4 stars). 2 submissions from 2 submitters: Uncertain significance (1); Likely benign (1). Last evaluated 2026-06-03.

Conditions:
NPHP4-related disorder. Also called: NPHP4-related disorders; NPHP4-related condition. Identifiers: MedGen CN239384.

Allele frequency attached by ClinVar (database versions not stated): TOPMed below 0.00001; gnomAD 0.00001; gnomAD exomes 0.00001 and 0.00002; ExAC 0.00002.
gnomAD v4.1: 26 of 1,604,118 alleles (0.0016%); highest among the groups gnomAD compares: Non-Finnish European, 0.0021%; no homozygotes.

Submissions (2):

PreventionGenetics, part of Exact Sciences
Classification: Likely benign for NPHP4-related condition. Last evaluated: 2026-06-03. Review status: criteria provided, single submitter. Criteria: ACMG Guidelines, 2015. Collection method: clinical testing. Allele origin: germline.
Comment: This variant is classified as likely benign based on ACMG/AMP sequence variant interpretation guidelines (Richards et al. 2015 PMID: 25741868, with internal and published modifications).

Eurofins Ntd Llc (ga)
Classification: Uncertain significance. Last evaluated: 2016-06-09. Review status: criteria provided, single submitter. Criteria: EGL Classification Definitions 2015. Collection method: clinical testing. Allele origin: germline. Observed: 1 variant allele, 1 heterozygote.

NM_015102.5(NPHP4):c.3150G>A (p.Gln1050=)

Gene: NPHP4 (nephrocystin 4; minus strand). Cytogenetic location: 1p36.31.
Variant type: single nucleotide variant.
Coding change: c.3150G>A on transcript NM_015102.5 (MANE Select); coding-DNA position 3150, G replaced by A.
Protein change: p.Gln1050=; no amino-acid change (glutamine 1050 retained).
Molecular consequence: synonymous variant. On other transcripts: non-coding transcript variant (1).
Genome position (GRCh38, 1-based): chr1:5,874,552, C>T on the plus strand (G>A on the coding strand, the complement: NPHP4 is on the minus strand). VCF-style: chr1-5874552-C-T. GRCh37 (hg19) VCF-style: chr1-5934612-C-T.
Other names: c.1611G>A, p.Gln537= (NM_001291593.2); c.1614G>A, p.Gln538= (NM_001291594.2); c.3150G>A (NM_015102.4).
Identifiers: ClinVar variation 288724 (VCV000288724.6), dbSNP rs776468806, ClinGen allele CA553778.